The following is an entry in ClinVar:

ClinVar aggregate classification (germline): Pathogenic (1 of 4 stars; one submission).

Conditions:
Ehlers-Danlos syndrome due to tenascin-X deficiency (EDSCLL1). Also called: EDS DUE TO TNX DEFICIENCY; TNX DEFICIENCY; Ehlers-Danlos syndrome, classic-like, 1; EHLERS-DANLOS SYNDROME, CLASSIC-LIKE; TNXB-Related Classical-Like Ehlers-Danlos Syndrome. Identifiers: Orphanet 230839, MedGen C1848029, MONDO:0011670, OMIM 606408.

Submission:

Myriad Genetics, Inc.
Classification: Pathogenic for Ehlers-Danlos syndrome due to tenascin-X deficiency. Last evaluated: 2025-10-22. Review status: criteria provided, single submitter. Criteria: Myriad Autosomal Dominant, Autosomal Recessive and X-Linked Classification Criteria (2023). Collection method: clinical testing. Allele origin: unknown.
Comment: NM_019105.6(TNXB):c.5004dupC(A1669Rfs*30) is expected to be pathogenic in the context of classical-like Ehlers-Danlos syndrome, TNXB-related. This variant is predicted to lead to an abnormal or absent protein product due to the creation of a premature termination codon in TNXB, a gene where loss-of-function variants are known to be pathogenic. Please note: this variant was assessed in the context of healthy population screening.

NM_001365276.2(TNXB):c.5004dup (p.Ala1669fs)

Gene: TNXB (tenascin XB; minus strand). Cytogenetic location: 6p21.33.
Variant type: Duplication.
Coding change: c.5004dup on transcript NM_001365276.2 (MANE Select); coding-DNA position 5004, one base duplicated (C; older notation c.5004dupC).
Protein change: p.Ala1669fs; shifts the reading frame from alanine 1669.
Molecular consequence: frameshift variant.
Genome position (GRCh38, 1-based): chr6:32,070,401, G duplicated on the plus strand (C on the coding strand, the reverse complement: TNXB is on the minus strand). VCF-style (leftmost placement, unchanged base first): chr6-32070400-C-CG. GRCh37 (hg19) VCF-style: chr6-32038177-C-CG.
Other names: c.5745dup, p.Ala1916fs (NM_001428335.1); c.5004dup, p.Ala1669fs (NM_019105.8); short protein forms A1669fs, A1916fs.
Identifiers: ClinVar variation 5015130 (VCV005015130.1).